The following is an entry in ClinVar:

NM_021083.4(XK):c.1103T>C (p.Val368Ala)

Gene: XK (X-linked Kx blood group antigen, Kell and VPS13A binding protein; plus strand). Cytogenetic location: Xp21.1.
Variant type: single nucleotide variant.
Coding change: c.1103T>C on transcript NM_021083.4 (MANE Select); coding-DNA position 1103, T replaced by C.
Protein change: p.Val368Ala; replaces valine 368 with alanine.
Molecular consequence: missense variant.
Genome position (GRCh38, 1-based): chrX:37,728,230, T>C. VCF-style: chrX-37728230-T-C. GRCh37 (hg19) VCF-style: chrX-37587483-T-C.
Other names: short protein forms V368A.
Identifiers: ClinVar variation 3641580 (VCV003641580.2).
Genomic context (GRCh38, chrX:37,728,230, plus strand): 5'-CACCTCTGTTGGTCCTGCAGCTGCTCATTGGGTACTGCACAGCCATTCTCTTCATGCTTG[T>C]ATTCTATCAGTTCTTCCACCCTTGCAAAAAGCTCTTTTCTTCCAGTGTTTCTGAAGGCTT-3'
Protein context (NP_066569.1, residues 358-378): GYCTAILFML[Val368Ala]FYQFFHPCKK

ClinVar aggregate classification (germline): Uncertain significance (1 of 4 stars; one submission).

Submission:

Labcorp Genetics (formerly Invitae), Labcorp
Classification: Uncertain significance. Last evaluated: 2024-02-29. Review status: criteria provided, single submitter. Criteria: Invitae Variant Classification Sherloc (09022015). Collection method: clinical testing. Allele origin: germline.
Comment: This sequence change replaces valine, which is neutral and non-polar, with alanine, which is neutral and non-polar, at codon 368 of the XK protein (p.Val368Ala). This variant is not present in population databases (gnomAD no frequency). This variant has not been reported in the literature in individuals affected with XK-related conditions. Advanced modeling of protein sequence and biophysical properties (such as structural, functional, and spatial information, amino acid conservation, physicochemical variation, residue mobility, and thermodynamic stability) performed at Invitae indicates that this missense variant is not expected to disrupt XK protein function with a negative predictive value of 80%. In summary, the available evidence is currently insufficient to determine the role of this variant in disease. Therefore, it has been classified as a Variant of Uncertain Significance.